The following is an entry in ClinVar:

NM_170601.5(SIAE):c.965A>G (p.Gln322Arg)

Gene: SIAE (sialic acid acetylesterase; minus strand). Cytogenetic location: 11q24.2.
Variant type: single nucleotide variant.
Coding change: c.965A>G on transcript NM_170601.5 (MANE Select); coding-DNA position 965, A replaced by G.
Protein change: p.Gln322Arg; replaces glutamine 322 with arginine.
Molecular consequence: missense variant.
Genome position (GRCh38, 1-based): chr11:124,647,366, T>C on the plus strand (A>G on the coding strand, the complement: SIAE is on the minus strand). VCF-style: chr11-124647366-T-C. GRCh37 (hg19) VCF-style: chr11-124517262-T-C.
Other names: c.860A>G, p.Gln287Arg (NM_001199922.2); short protein forms Q287R, Q322R.
Identifiers: ClinVar variation 2791294 (VCV002791294.3), dbSNP rs769535563, ClinGen allele CA6341362.

ClinVar aggregate classification (germline): Uncertain significance (1 of 4 stars; one submission).

Allele frequency attached by ClinVar (database versions not stated): ExAC 0.00001.
gnomAD v4.1: 3 of 1,614,218 alleles (0.00019%); highest among the groups gnomAD compares: Non-Finnish European, 0.00025%; no homozygotes.

Submission:

Labcorp Genetics (formerly Invitae), Labcorp
Classification: Uncertain significance. Last evaluated: 2023-03-19. Review status: criteria provided, single submitter. Criteria: Invitae Variant Classification Sherloc (09022015). Collection method: clinical testing. Allele origin: germline.
Comment: In summary, the available evidence is currently insufficient to determine the role of this variant in disease. Therefore, it has been classified as a Variant of Uncertain Significance. Algorithms developed to predict the effect of sequence changes on RNA splicing suggest that this variant may disrupt the consensus splice site. An algorithm developed to predict the effect of missense changes on protein structure and function (PolyPhen-2) suggests that this variant is likely to be disruptive. This variant has not been reported in the literature in individuals affected with SIAE-related conditions. This variant is present in population databases (rs769535563, gnomAD 0.0009%). This sequence change replaces glutamine, which is neutral and polar, with arginine, which is basic and polar, at codon 322 of the SIAE protein (p.Gln322Arg).